The following is an entry in ClinVar:

NM_004937.3(CTNS):c.922G>C (p.Gly308Arg)

Gene: CTNS (cystinosin, lysosomal cystine transporter; plus strand). Cytogenetic location: 17p13.2.
Variant type: single nucleotide variant.
Coding change: c.922G>C on transcript NM_004937.3 (MANE Select); coding-DNA position 922, G replaced by C.
Protein change: p.Gly308Arg; replaces glycine 308 with arginine.
Molecular consequence: missense variant.
Genome position (GRCh38, 1-based): chr17:3,659,927, G>C. VCF-style: chr17-3659927-G-C. GRCh37 (hg19) VCF-style: chr17-3563221-G-C.
Other names: c.922G>C, p.Gly308Arg (NM_001031681.3, NM_001374492.1); c.481G>C, p.Gly161Arg (NM_001374493.1, NM_001374494.1, NM_001374495.1 and 1 more transcripts); short protein forms G161R, G308R.
Identifiers: ClinVar variation 1455393 (VCV001455393.10), dbSNP rs746307931, ClinGen allele CA397693194.

ClinVar aggregate classification (germline): Pathogenic (1 of 4 stars; one submission).

Conditions:
Inborn genetic diseases. Identifiers: MedGen C0950123, MeSH D030342.
Juvenile nephropathic cystinosis. Also called: Intermediate Cystinosis; CYSTINOSIS, LATE-ONSET JUVENILE OR ADOLESCENT NEPHROPATHIC TYPE; Later-Onset (Juvenile) Cystinosis. Identifiers: Orphanet 213, Orphanet 411634, MedGen C0268626, MONDO:0009066, OMIM 219900.
Ocular cystinosis. Also called: Non-Nephropathic Cystinosis; Non-Nephropathic (Ocular) Cystinosis. Identifiers: Orphanet 213, Orphanet 411641, MedGen C2931013, MONDO:0009064, OMIM 219750.

Submission:

Labcorp Genetics (formerly Invitae), Labcorp
Classification: Pathogenic for Inborn genetic diseases; Ocular cystinosis; Juvenile nephropathic cystinosis. Last evaluated: 2020-11-01. Review status: criteria provided, single submitter. Criteria: Invitae Variant Classification Sherloc (09022015). Collection method: clinical testing. Allele origin: germline.
Comment: For these reasons, this variant has been classified as Pathogenic. Advanced modeling of protein sequence and biophysical properties (such as structural, functional, and spatial information, amino acid conservation, physicochemical variation, residue mobility, and thermodynamic stability) performed at Invitae indicates that this missense variant is expected to disrupt CTNS protein function. This missense change has been observed in individual(s) with clinical features of cystinosis (PMID: 15128704, 28793998, 9792862, 12204010, 19863563). This variant is not present in population databases (ExAC no frequency). This sequence change replaces glycine with arginine at codon 308 of the CTNS protein (p.Gly308Arg). The glycine residue is highly conserved and there is a moderate physicochemical difference between glycine and arginine.

Literature cited by the submitters: PubMed 15128704; PubMed 28793998; PubMed 9792862; PubMed 12204010; PubMed 19863563.